The following is an entry in ClinVar:

ClinVar aggregate classification (germline): Uncertain significance. Review status: criteria provided, multiple submitters, no conflicts (2 of 4 stars). 2 submissions from 2 submitters: Uncertain significance (2). Last evaluated 2024-10-21.

Conditions:
Inborn genetic diseases. Identifiers: MedGen C0950123, MeSH D030342.

Allele frequency attached by ClinVar (database versions not stated): gnomAD exomes below 0.00001; TOPMed below 0.00001; ExAC 0.00001; ESP Exome Variant Server 0.00008.
gnomAD v4.1: 1 of 1,614,054 alleles (0.000062%); highest among the groups gnomAD compares: African/African-American, 0.0013%; no homozygotes.

Submissions (2):

Ambry Genetics
Classification: Uncertain significance for Inborn genetic diseases. Last evaluated: 2024-10-21. Review status: criteria provided, single submitter. Criteria: Ambry Variant Classification Scheme 2023. Collection method: clinical testing. Allele origin: germline.

Labcorp Genetics (formerly Invitae), Labcorp
Classification: Uncertain significance. Last evaluated: 2023-03-10. Review status: criteria provided, single submitter. Criteria: Invitae Variant Classification Sherloc (09022015). Collection method: clinical testing. Allele origin: germline.
Comment: ClinVar contains an entry for this variant (Variation ID: 1350058). This missense change has been observed in individual(s) with clinical features of RP1-related conditions (Invitae). This variant is not present in population databases (gnomAD no frequency). This sequence change replaces histidine, which is basic and polar, with arginine, which is basic and polar, at codon 1039 of the RP1 protein (p.His1039Arg). In summary, the available evidence is currently insufficient to determine the role of this variant in disease. Therefore, it has been classified as a Variant of Uncertain Significance. An algorithm developed to predict the effect of missense changes on protein structure and function (PolyPhen-2) suggests that this variant is likely to be tolerated.

NM_006269.2(RP1):c.3116A>G (p.His1039Arg)

Gene: RP1 (RP1 axonemal microtubule associated; plus strand). Cytogenetic location: 8q12.1.
Variant type: single nucleotide variant.
Coding change: c.3116A>G on transcript NM_006269.2 (MANE Select); coding-DNA position 3116, A replaced by G.
Protein change: p.His1039Arg; replaces histidine 1039 with arginine.
Molecular consequence: missense variant. On other transcripts: intron variant (1).
Genome position (GRCh38, 1-based): chr8:54,626,998, A>G. VCF-style: chr8-54626998-A-G. GRCh37 (hg19) VCF-style: chr8-55539558-A-G.
Other names: c.787+4710A>G (NM_001375654.1); c.3116A>G (NM_006269.1); short protein forms H1039R.
Identifiers: ClinVar variation 1350058 (VCV001350058.9), dbSNP rs141811318, ClinGen allele CA4751643.